The following is an entry in ClinVar:

ClinVar aggregate classification (germline): Uncertain significance (1 of 4 stars; one submission).

Conditions:
EPILEPSY, CHILDHOOD ABSENCE, SUSCEPTIBILITY TO, 2 (ECA2). Identifiers: Orphanet 64280, MedGen C1843244, OMIM 607681.
Febrile seizures, familial, 8 (FEB8). Also called: CONVULSIONS, FAMILIAL FEBRILE, 8. Identifiers: Orphanet 36387, MedGen C1969810, MONDO:0011891, OMIM 607681.

Submission:

Labcorp Genetics (formerly Invitae), Labcorp
Classification: Uncertain significance for Febrile seizures, familial, 8; EPILEPSY, CHILDHOOD ABSENCE, SUSCEPTIBILITY TO, 2. Last evaluated: 2022-06-14. Review status: criteria provided, single submitter. Criteria: Invitae Variant Classification Sherloc (09022015). Collection method: clinical testing. Allele origin: germline.
Comment: In summary, the available evidence is currently insufficient to determine the role of this variant in disease. Therefore, it has been classified as a Variant of Uncertain Significance. Advanced modeling of protein sequence and biophysical properties (such as structural, functional, and spatial information, amino acid conservation, physicochemical variation, residue mobility, and thermodynamic stability) performed at Invitae indicates that this missense variant is expected to disrupt GABRG2 protein function. This variant has not been reported in the literature in individuals affected with GABRG2-related conditions. This variant is not present in population databases (gnomAD no frequency). This sequence change replaces cysteine, which is neutral and slightly polar, with arginine, which is basic and polar, at codon 420 of the GABRG2 protein (p.Cys420Arg).

NM_198904.4(GABRG2):c.1282T>C (p.Cys428Arg)

Gene: GABRG2 (gamma-aminobutyric acid type A receptor subunit gamma2; plus strand). Cytogenetic location: 5q34.
Variant type: single nucleotide variant.
Coding change: c.1282T>C on transcript NM_198904.4 (MANE Select); coding-DNA position 1282, T replaced by C.
Protein change: p.Cys428Arg; replaces cysteine 428 with arginine.
Molecular consequence: missense variant. On other transcripts: 3 prime UTR variant (1).
Genome position (GRCh38, 1-based): chr5:162,153,222, T>C. VCF-style: chr5-162153222-T-C. GRCh37 (hg19) VCF-style: chr5-161580228-T-C.
Other names: c.1258T>C, p.Cys420Arg (NM_000816.3); c.1273T>C, p.Cys425Arg (NM_001375339.1); c.*116T>C (NM_001375340.1); c.1279T>C, p.Cys427Arg (NM_001375341.1); c.1255T>C, p.Cys419Arg (NM_001375342.1); c.1378T>C, p.Cys460Arg (NM_001375343.1); c.1321T>C, p.Cys441Arg (NM_001375344.1); c.1192T>C, p.Cys398Arg (NM_001375345.1); and 6 more; short protein forms C280R, C398R, C399R, C427R, C406R, C468R, C288R, C325R.
Identifiers: ClinVar variation 2006041 (VCV002006041.4), dbSNP rs2532775266, ClinGen allele CA362183634.